The following is an entry in ClinVar:

ClinVar aggregate classification (germline): Pathogenic. Review status: criteria provided, multiple submitters, no conflicts (2 of 4 stars). 2 submissions from 2 submitters: Pathogenic (2). Last evaluated 2025-09-23.

Conditions:
2-aminoadipic 2-oxoadipic aciduria (AAKAD). Also called: ALPHA-AMINOADIPIC AND ALPHA-KETOADIPIC ACIDURIA; Aminoadipic aciduria. Identifiers: Orphanet 79154, MedGen C1859817, MONDO:0008774, OMIM 204750.

Submissions (2):

Women's Health and Genetics/Laboratory Corporation of America, LabCorp
Classification: Pathogenic for 2-aminoadipic 2-oxoadipic aciduria. Last evaluated: 2025-09-23. Review status: criteria provided, single submitter. Criteria: LabCorp Variant Classification Summary - May 2015. Collection method: clinical testing. Allele origin: germline.
Comment: Variant summary: DHTKD1 c.1382_1383delCA (p.Thr461IlefsX18) results in a premature termination codon, predicted to cause a truncation of the encoded protein or absence of the protein due to nonsense mediated decay, which are commonly known mechanisms for disease. The variant was absent in 248774 control chromosomes. To our knowledge, no occurrence of c.1382_1383delCA in individuals affected with DHTKD1-related conditions and no experimental evidence demonstrating its impact on protein function have been reported. No submitters have cited clinical-significance assessments for this variant to ClinVar. Based on the evidence outlined above, the variant was classified as pathogenic.

Labcorp Genetics (formerly Invitae), Labcorp
Classification: Pathogenic for 2-aminoadipic 2-oxoadipic aciduria. Last evaluated: 2025-04-07. Review status: criteria provided, single submitter. Criteria: Invitae Variant Classification Sherloc (09022015). Collection method: clinical testing. Allele origin: germline.
Comment: This sequence change creates a premature translational stop signal (p.Thr461Ilefs*18) in the DHTKD1 gene. It is expected to result in an absent or disrupted protein product. Loss-of-function variants in DHTKD1 are known to be pathogenic (PMID: 23141293, 25860818). This variant is not present in population databases (gnomAD no frequency). This variant has not been reported in the literature in individuals affected with DHTKD1-related conditions. For these reasons, this variant has been classified as Pathogenic.

Literature cited by the submitters: PubMed 23141293 (cited by Labcorp Genetics (formerly Invitae), Labcorp); PubMed 25860818 (cited by Labcorp Genetics (formerly Invitae), Labcorp).

NM_018706.7(DHTKD1):c.1382_1383del (p.Thr461fs)

Gene: DHTKD1 (dehydrogenase E1 and transketolase domain containing 1; plus strand). Cytogenetic location: 10p14.
Variant type: Microsatellite.
Coding change: c.1382_1383del on transcript NM_018706.7 (MANE Select); coding-DNA positions 1382 to 1383, 2 bases deleted (CA; older notation c.1382_1383delCA).
Protein change: p.Thr461fs; shifts the reading frame from threonine 461.
Molecular consequence: frameshift variant.
Genome position (GRCh38, 1-based): chr10:12,097,707-12,097,708, CA deleted; deleting any 2 consecutive bases within chr10:12,097,704-12,097,708 gives the same sequence; the c. name uses the placement nearest the transcript's 3' end. VCF-style (leftmost placement, unchanged base first): chr10-12097703-GAC-G. GRCh37 (hg19) VCF-style: chr10-12139702-GAC-G.
Other names: c.1382_1383delCA (NM_018706.7); short protein forms T461fs.
Identifiers: ClinVar variation 4536030 (VCV004536030.2).
Genomic context (GRCh38, chr10:12,097,703, plus strand): 5'-ACAGGTCAGACTGATTTTTGTTTCTTCTCTTTCTTGGGCAGAGCTCGAAAGAGCATTCCA[GAC>G]ACATATGCAGAGCACCTCATTGCTGGCGGACTCATGACGCAGGAGGAGGTGTCTGAAATA-3'